The following is an entry in ClinVar:

NM_001105206.3(LAMA4):c.1140C>A (p.His380Gln)

Gene: LAMA4 (laminin subunit alpha 4; minus strand). Cytogenetic location: 6q21.
Variant type: single nucleotide variant.
Coding change: c.1140C>A on transcript NM_001105206.3 (MANE Select); coding-DNA position 1140, C replaced by A.
Protein change: p.His380Gln; replaces histidine 380 with glutamine.
Molecular consequence: missense variant.
Genome position (GRCh38, 1-based): chr6:112,178,170, G>T on the plus strand (C>A on the coding strand, the complement: LAMA4 is on the minus strand). VCF-style: chr6-112178170-G-T. GRCh37 (hg19) VCF-style: chr6-112499372-G-T.
Other names: c.1119C>A, p.His373Gln (NM_001105207.3, NM_002290.5); short protein forms H380Q, H373Q.
Identifiers: ClinVar variation 1796974 (VCV001796974.2), dbSNP rs782378476, ClinGen allele CA3965852.

ClinVar aggregate classification (germline): Uncertain significance (1 of 4 stars; one submission).

Conditions:
Cardiovascular phenotype. Identifiers: MedGen CN230736.

Submission:

Ambry Genetics
Classification: Uncertain significance for Cardiovascular phenotype. Last evaluated: 2020-07-27. Review status: criteria provided, single submitter. Criteria: Ambry Variant Classification Scheme 2023. Collection method: clinical testing. Allele origin: germline.
Comment: The p.H373Q variant (also known as c.1119C>A), located in coding exon 9 of the LAMA4 gene, results from a C to A substitution at nucleotide position 1119. The histidine at codon 373 is replaced by glutamine, an amino acid with highly similar properties. This amino acid position is not well conserved in available vertebrate species, and glutamine is the reference amino acid in other vertebrate species. In addition, this alteration is predicted to be tolerated by in silico analysis. Since supporting evidence is limited at this time, the clinical significance of this alteration remains unclear.